The following is an entry in ClinVar:

NM_001605.3(AARS1):c.1417C>T (p.Leu473Phe)

Gene: AARS1 (alanyl-tRNA synthetase 1; minus strand). Cytogenetic location: 16q22.1.
Variant type: single nucleotide variant.
Coding change: c.1417C>T on transcript NM_001605.3 (MANE Select); coding-DNA position 1417, C replaced by T.
Protein change: p.Leu473Phe; replaces leucine 473 with phenylalanine.
Molecular consequence: missense variant.
Genome position (GRCh38, 1-based): chr16:70,265,033, G>A on the plus strand (C>T on the coding strand, the complement: AARS1 is on the minus strand). VCF-style: chr16-70265033-G-A. GRCh37 (hg19) VCF-style: chr16-70298936-G-A.
Other names: short protein forms L473F.
Identifiers: ClinVar variation 2961603 (VCV002961603.3), dbSNP rs1567605650, ClinGen allele CA396561253.

ClinVar aggregate classification (germline): Uncertain significance (1 of 4 stars; one submission).

Conditions:
Charcot-Marie-Tooth disease type 2. Also called: Charcot-Marie-Tooth type 2. Identifiers: Orphanet 64746, MedGen C0270914, MONDO:0018993.

gnomAD v4.1: 24 of 1,614,176 alleles (0.0015%); highest among the groups gnomAD compares: Non-Finnish European, 0.0019%; no homozygotes.

Submission:

Labcorp Genetics (formerly Invitae), Labcorp
Classification: Uncertain significance for Charcot-Marie-Tooth disease type 2. Last evaluated: 2024-10-30. Review status: criteria provided, single submitter. Criteria: Invitae Variant Classification Sherloc (09022015). Collection method: clinical testing. Allele origin: germline.
Comment: This sequence change replaces leucine, which is neutral and non-polar, with phenylalanine, which is neutral and non-polar, at codon 473 of the AARS protein (p.Leu473Phe). This variant is not present in population databases (gnomAD no frequency). This variant has not been reported in the literature in individuals affected with AARS-related conditions. ClinVar contains an entry for this variant (Variation ID: 2961603). Invitae Evidence Modeling of protein sequence and biophysical properties (such as structural, functional, and spatial information, amino acid conservation, physicochemical variation, residue mobility, and thermodynamic stability) has been performed for this missense variant. However, the output from this modeling did not meet the statistical confidence thresholds required to predict the impact of this variant on AARS protein function. In summary, the available evidence is currently insufficient to determine the role of this variant in disease. Therefore, it has been classified as a Variant of Uncertain Significance.